The following is an entry in ClinVar:

ClinVar aggregate classification (germline): Pathogenic/Likely pathogenic. Review status: criteria provided, multiple submitters, no conflicts (2 of 4 stars). 3 submissions from 3 submitters: Pathogenic (1); Likely pathogenic (2). Last evaluated 2025-04-10.

Conditions:
Combined oxidative phosphorylation defect type 7. Identifiers: Orphanet 254930, MedGen C3150801, MONDO:0013306, OMIM 613559.
Spastic paraplegia. Identifiers: MedGen C0037772, HP:0001258.
C12ORF65 & MTRFR-related disorders.

Allele frequency attached by ClinVar (database versions not stated): TOPMed below 0.00001; gnomAD exomes 0.00005 and 0.00010; ExAC 0.00010; gnomAD 0.00012 and 0.00014.
gnomAD v4.1: 85 of 1,614,032 alleles (0.0053%); highest among the groups gnomAD compares: Non-Finnish European, 0.00076%; no homozygotes.

Submissions (3):

Labcorp Genetics (formerly Invitae), Labcorp
Classification: Pathogenic for Combined oxidative phosphorylation defect type 7; Spastic paraplegia. Last evaluated: 2025-04-10. Review status: criteria provided, single submitter. Criteria: Invitae Variant Classification Sherloc (09022015). Collection method: clinical testing. Allele origin: germline.
Comment: This sequence change creates a premature translational stop signal (p.Arg15*) in the C12orf65 gene. It is expected to result in an absent or disrupted protein product. Loss-of-function variants in C12orf65 are known to be pathogenic (PMID: 20598281, 24424123). This variant is present in population databases (rs757148270, gnomAD 0.1%). This variant has not been reported in the literature in individuals affected with C12orf65-related conditions. ClinVar contains an entry for this variant (Variation ID: 1323989). For these reasons, this variant has been classified as Pathogenic.

Blueprint Genetics
Classification: Likely pathogenic for C12ORF65 & MTRFR-related disorders. Last evaluated: 2024-09-22. Review status: criteria provided, single submitter. Criteria: ACMG Guidelines, 2015. Collection method: clinical testing. Allele origin: germline. Affected: yes. Observed: 5 variant alleles.

Revvity Omics, Revvity
Classification: Likely pathogenic. Last evaluated: 2022-12-18. Review status: criteria provided, single submitter. Criteria: ACMG Guidelines, 2015. Collection method: clinical testing. Allele origin: germline.

Literature cited by the submitters: PubMed 20598281 (cited by Labcorp Genetics (formerly Invitae), Labcorp); PubMed 24424123 (cited by Labcorp Genetics (formerly Invitae), Labcorp).

NM_152269.5(MTRFR):c.43C>T (p.Arg15Ter)

Gene: MTRFR (mitochondrial translation release factor in rescue; plus strand). Cytogenetic location: 12q24.31.
Variant type: single nucleotide variant.
Coding change: c.43C>T on transcript NM_152269.5 (MANE Select); coding-DNA position 43, C replaced by T.
Protein change: p.Arg15Ter; replaces arginine 15 with a stop codon.
Molecular consequence: nonsense.
Genome position (GRCh38, 1-based): chr12:123,253,717, C>T. VCF-style: chr12-123253717-C-T. GRCh37 (hg19) VCF-style: chr12-123738264-C-T.
Other names: c.43C>T, p.Arg15Ter (NM_001143905.2, NM_001194995.1); short protein forms R15*.
Identifiers: ClinVar variation 1323989 (VCV001323989.6), dbSNP rs757148270, ClinGen allele CA6856505.